The following is an entry in ClinVar:

NM_000256.3(MYBPC3):c.2067+1G>A

Gene: MYBPC3 (myosin binding protein C3; minus strand). Cytogenetic location: 11p11.2.
Variant type: single nucleotide variant.
Coding change: c.2067+1G>A on transcript NM_000256.3 (MANE Select); the canonical splice donor site of the intron after coding-DNA position 2067, G replaced by A.
Molecular consequence: splice donor variant.
Genome position (GRCh38, 1-based): chr11:47,339,650, C>T on the plus strand (G>A on the coding strand, the complement: MYBPC3 is on the minus strand). VCF-style: chr11-47339650-C-T. GRCh37 (hg19) VCF-style: chr11-47361201-C-T.
Identifiers: ClinVar variation 449066 (VCV000449066.27), dbSNP rs1444727212, ClinGen allele CA380321286.

ClinVar aggregate classification (germline): Pathogenic. Review status: criteria provided, multiple submitters, no conflicts (2 of 4 stars). 8 submissions from 8 submitters: Pathogenic (8). Last evaluated 2026-01-05.

Conditions:
Cardiovascular phenotype. Identifiers: MedGen CN230736.
Cardiomyopathy (CMYO). Also called: Cardiomyopathies. Identifiers: Orphanet 167848, MedGen C0878544, MONDO:0004994, HP:0001638. Inheritance: Various modes of inheritance.
Hypertrophic cardiomyopathy 4. Also called: Familial hypertrophic cardiomyopathy 4. Identifiers: MedGen C1861862, MONDO:0007268, OMIM 115197.
Hypertrophic cardiomyopathy. Also called: HYPERTROPHIC MYOCARDIOPATHY. Identifiers: Orphanet 217569, MedGen C0007194, MeSH D002312, MONDO:0005045, HP:0001639.

Submissions (8):

3billion
Classification: Pathogenic for Hypertrophic cardiomyopathy 4. Last evaluated: 2026-01-05. Review status: criteria provided, single submitter. Criteria: ACMG Guidelines, 2015. Collection method: clinical testing. Allele origin: germline. Affected: yes.
Comment: The variant is not observed in the gnomAD v4.1.0 dataset. Predicted Consequence/Location: Canonical splice site: predicted to alter splicing and result in a loss or disruption of normal protein function. Multiple pathogenic loss-of-function variants are reported downstream of the variant. In silico tools predict the variant to alter splicing and produce an abnormal transcript [SpliceAI: 1.00 (spliceogenicity >=0.2, non-spliceogenicity <0.1)]. The variant has been reported at least twice as pathogenic with clinical assertions and evidence for the classification (ClinVar ID: VCV000449066 /PMID: 16181148 /3billion dataset). Therefore, this variant is classified as Pathogenic according to the recommendation of ACMG/AMP guideline.

Labcorp Genetics (formerly Invitae), Labcorp
Classification: Pathogenic for Hypertrophic cardiomyopathy. Last evaluated: 2025-09-26. Review status: criteria provided, single submitter. Criteria: Invitae Variant Classification Sherloc (09022015). Collection method: clinical testing. Allele origin: germline.
Comment: This sequence change affects a donor splice site in intron 21 of the MYBPC3 gene. It is expected to disrupt RNA splicing. Variants that disrupt the donor or acceptor splice site typically lead to a loss of protein function (PMID: 16199547), and loss-of-function variants in MYBPC3 are known to be pathogenic (PMID: 19574547). This variant is not present in population databases (gnomAD no frequency). Disruption of this splice site has been observed in individual(s) with hypertrophic cardiomyopathy (PMID: 16181148, 20975235). It has also been observed to segregate with disease in related individuals. ClinVar contains an entry for this variant (Variation ID: 449066). Algorithms developed to predict the effect of sequence changes on RNA splicing suggest that this variant may disrupt the consensus splice site. For these reasons, this variant has been classified as Pathogenic.

Institute of Human Genetics, University of Leipzig Medical Center
Classification: Pathogenic for Hypertrophic cardiomyopathy 4. Last evaluated: 2025-03-26. Review status: criteria provided, single submitter. Criteria: ACMG Guidelines, 2015. Collection method: clinical testing. Allele origin: maternal. Inheritance: Autosomal dominant inheritance. Affected: yes.
Comment: Criteria applied: PVS1,PP1_STR,PM2_SUP

Ambry Genetics
Classification: Pathogenic for Cardiovascular phenotype. Last evaluated: 2024-01-24. Review status: criteria provided, single submitter. Criteria: Ambry Variant Classification Scheme 2023. Collection method: clinical testing. Allele origin: germline.
Comment: The c.2067+1G>A intronic pathogenic mutation results from a G to A substitution one nucleotide after coding exon 21 of the MYBPC3 gene. This alteration has been detected in multiple probands with hypertrophic cardiomyopathy (HCM), segregated with disease in families, and was reported to result in aberrant splicing resulting in skipping of exon 21 and a premature stop codon in exon 22 (Konno T et al. Clin Sci. 2006;110:125-31). This variant is considered to be rare based on population cohorts in the Genome Aggregation Database (gnomAD). This nucleotide position is highly conserved in available vertebrate species. In silico splice site analysis predicts that this alteration will weaken the native splice donor site and will result in the creation or strengthening of a novel splice donor site. In addition to the clinical data presented in the literature, alterations that disrupt the canonical splice site are expected to cause aberrant splicing, resulting in an abnormal protein or a transcript that is subject to nonsense-mediated mRNA decay. As such, this alteration is classified as a disease-causing mutation.

Color Diagnostics, LLC DBA Color Health
Classification: Pathogenic for Cardiomyopathy. Last evaluated: 2024-01-02. Review status: criteria provided, single submitter. Criteria: ACMG Guidelines, 2015. Collection method: clinical testing. Allele origin: germline.
Comment: This variant disrupts intron 21 canonical splice donor site of the MYBPC3 gene. An RNA study has shown that this variant causes skipping of exon 21 and creates a premature translation stop codon in exon 22 (PMID: 16181148). This variant has been reported in almost 20 individuals affected with hypertrophic cardiomyopathy, including at least 15 Japanese individuals (PMID: 16181148, 17263690, 19149795, 20975235, 28420666, 30105547). This variant has not been identified in the general population by the Genome Aggregation Database (gnomAD). Loss of MYBPC3 function is a known mechanism of disease. Based on available evidence, this variant is classified as Pathogenic.

All of Us Research Program, National Institutes of Health
Classification: Pathogenic for Hypertrophic cardiomyopathy. Last evaluated: 2023-11-09. Review status: criteria provided, single submitter. Criteria: ACMG Guidelines, 2015. Collection method: clinical testing. Allele origin: germline. Inheritance: Autosomal dominant inheritance. Observed: 2 variant alleles, 2 heterozygotes.
Comment: The c.2067+1G>A variant of the MYBPC3 gene disrupts the splicing acceptor site in intron 21 and is expected to alter RNA splicing. This alteration has been detected in multiple individuals with hypertrophic cardiomyopathy (HCM) (PMID: 16181148, 17263690, 19149795, 20975235, 30105547). It has also been observed to segregate with disease in families and was reported to result in aberrant splicing resulting in skipping of exon 21 and a premature stop codon in exon 22 (PMID: 16181148). Variants that disrupt the donor or acceptor splice site typically lead to a loss of protein function (PMID: 16199547), and loss-of-function variants in MYBPC3 are known to be pathogenic (PMID: 19574547). This variant is absent in the general population by the gnomAD database. Based on these evidence, the c.2067+1G>A variant of the MYBPC3 gene is classified as pathogenic.

This study involves interpretation of variants in research participants for the purpose of population health screening. Participant phenotype was not available at the time of variant classification. Additional details can be found in publication PMID: 35346344, PMCID: PMC8962531

Genetics and Molecular Pathology, SA Pathology
Classification: Pathogenic for Hypertrophic cardiomyopathy 4. Last evaluated: 2022-05-25. Review status: criteria provided, single submitter. Criteria: ACMG Guidelines, 2015. Collection method: clinical testing. Allele origin: germline. Inheritance: Autosomal dominant inheritance. Affected: yes.

GeneDx
Classification: Pathogenic. Last evaluated: 2019-06-28. Review status: criteria provided, single submitter. Criteria: GeneDx Variant Classification Process June 2021. Collection method: clinical testing. Allele origin: germline. Affected: yes.
Comment: Canonical splice site variant in a gene for which loss-of-function is a known mechanism of disease; Not observed in large population cohorts (Lek et al., 2016); This variant is associated with the following publications: (PMID: 19149795, 30105547, 25525159, 16181148, 17263690, 20975235, 25281569)

Literature cited by the submitters: PubMed 16181148 (cited by 5 submitters); PubMed 16199547 (cited by Labcorp Genetics (formerly Invitae), Labcorp and All of Us Research Program, National Institutes of Health); PubMed 19574547 (cited by Labcorp Genetics (formerly Invitae), Labcorp and All of Us Research Program, National Institutes of Health); PubMed 20975235 (cited by 3 submitters); PubMed 25525159 (cited by Ambry Genetics); PubMed 17263690 (cited by Color Diagnostics, LLC DBA Color Health and All of Us Research Program, National Institutes of Health); PubMed 19149795 (cited by Color Diagnostics, LLC DBA Color Health and All of Us Research Program, National Institutes of Health); PubMed 28420666 (cited by Color Diagnostics, LLC DBA Color Health); PubMed 30105547 (cited by Color Diagnostics, LLC DBA Color Health and All of Us Research Program, National Institutes of Health).